The following is an entry in ClinVar:

NM_152383.5(DIS3L2):c.2395-3C>T

Gene: DIS3L2 (DIS3 like 3'-5' exoribonuclease 2; plus strand). Cytogenetic location: 2q37.1.
Variant type: single nucleotide variant.
Coding change: c.2395-3C>T on transcript NM_152383.5 (MANE Select); 3 bases into the intron before coding-DNA position 2395, C replaced by T.
Molecular consequence: intron variant.
Genome position (GRCh38, 1-based): chr2:232,335,770, C>T. VCF-style: chr2-232335770-C-T. GRCh37 (hg19) VCF-style: chr2-233200480-C-T.
Other names: c.1582-7575C>T (NM_001257281.2).
Identifiers: ClinVar variation 2825969 (VCV002825969.3), dbSNP rs2469452624, ClinGen allele CA2739279753.

ClinVar aggregate classification (germline): Uncertain significance (1 of 4 stars; one submission).

Conditions:
Perlman syndrome (PRLMNS). Identifiers: Orphanet 2849, MedGen C0796113, MONDO:0009965, OMIM 267000.

Submission:

Labcorp Genetics (formerly Invitae), Labcorp
Classification: Uncertain significance for Perlman syndrome. Last evaluated: 2023-01-02. Review status: criteria provided, single submitter. Criteria: Invitae Variant Classification Sherloc (09022015). Collection method: clinical testing. Allele origin: germline.
Comment: This variant has not been reported in the literature in individuals affected with DIS3L2-related conditions. In summary, the available evidence is currently insufficient to determine the role of this variant in disease. Therefore, it has been classified as a Variant of Uncertain Significance. Variants that disrupt the consensus splice site are a relatively common cause of aberrant splicing (PMID: 17576681, 9536098). Algorithms developed to predict the effect of sequence changes on RNA splicing suggest that this variant is not likely to affect RNA splicing. This variant is not present in population databases (gnomAD no frequency). This sequence change falls in intron 19 of the DIS3L2 gene. It does not directly change the encoded amino acid sequence of the DIS3L2 protein. It affects a nucleotide within the consensus splice site.

Literature cited by the submitters: PubMed 17576681; PubMed 9536098.